The following is an entry in ClinVar:

NM_000327.4(ROM1):c.368T>C (p.Leu123Pro)

Gene: ROM1 (retinal outer segment membrane protein 1; plus strand). Cytogenetic location: 11q12.3.
Variant type: single nucleotide variant.
Coding change: c.368T>C on transcript NM_000327.4 (MANE Select); coding-DNA position 368, T replaced by C.
Protein change: p.Leu123Pro; replaces leucine 123 with proline.
Molecular consequence: missense variant.
Genome position (GRCh38, 1-based): chr11:62,613,649, T>C. VCF-style: chr11-62613649-T-C. GRCh37 (hg19) VCF-style: chr11-62381121-T-C.
Other names: short protein forms L123P.
Identifiers: ClinVar variation 1007951 (VCV001007951.8), dbSNP rs1942953600, ClinGen allele CA380969491.

ClinVar aggregate classification (germline): Uncertain significance (1 of 4 stars; one submission).

Allele frequency attached by ClinVar (database versions not stated): gnomAD exomes below 0.00001.
gnomAD v4.1: 2 of 1,613,838 alleles (0.00012%); highest among the groups gnomAD compares: Non-Finnish European, 0.00017%; no homozygotes.

Submission:

Labcorp Genetics (formerly Invitae), Labcorp
Classification: Uncertain significance. Last evaluated: 2023-08-17. Review status: criteria provided, single submitter. Criteria: Invitae Variant Classification Sherloc (09022015). Collection method: clinical testing. Allele origin: germline.
Comment: In summary, the available evidence is currently insufficient to determine the role of this variant in disease. Therefore, it has been classified as a Variant of Uncertain Significance. Advanced modeling of protein sequence and biophysical properties (such as structural, functional, and spatial information, amino acid conservation, physicochemical variation, residue mobility, and thermodynamic stability) performed at Invitae indicates that this missense variant is not expected to disrupt ROM1 protein function. ClinVar contains an entry for this variant (Variation ID: 1007951). This variant has not been reported in the literature in individuals affected with ROM1-related conditions. This variant is not present in population databases (gnomAD no frequency). This sequence change replaces leucine, which is neutral and non-polar, with proline, which is neutral and non-polar, at codon 123 of the ROM1 protein (p.Leu123Pro).